The following is an entry in ClinVar:

ClinVar aggregate classification (germline): Uncertain significance (1 of 4 stars; one submission).

Allele frequency attached by ClinVar (database versions not stated): ExAC 0.00001; gnomAD 0.00001; gnomAD exomes 0.00001; TOPMed 0.00002.
gnomAD v4.1: 20 of 1,614,008 alleles (0.0012%); highest among the groups gnomAD compares: Admixed American, 0.013%; no homozygotes.

Submission:

Labcorp Genetics (formerly Invitae), Labcorp
Classification: Uncertain significance. Last evaluated: 2022-05-03. Review status: criteria provided, single submitter. Criteria: Invitae Variant Classification Sherloc (09022015). Collection method: clinical testing. Allele origin: germline.
Comment: In summary, the available evidence is currently insufficient to determine the role of this variant in disease. Therefore, it has been classified as a Variant of Uncertain Significance. Algorithms developed to predict the effect of missense changes on protein structure and function (SIFT, PolyPhen-2, Align-GVGD) all suggest that this variant is likely to be tolerated. This variant has not been reported in the literature in individuals affected with COQ8A-related conditions. This variant is present in population databases (rs748999967, gnomAD 0.02%). This sequence change replaces glutamine, which is neutral and polar, with glutamic acid, which is acidic and polar, at codon 524 of the COQ8A protein (p.Gln524Glu).

NM_020247.5(COQ8A):c.1570C>G (p.Gln524Glu)

Gene: COQ8A (coenzyme Q8A; plus strand). Cytogenetic location: 1q42.13.
Variant type: single nucleotide variant.
Coding change: c.1570C>G on transcript NM_020247.5 (MANE Select); coding-DNA position 1570, C replaced by G.
Protein change: p.Gln524Glu; replaces glutamine 524 with glutamic acid.
Molecular consequence: missense variant.
Genome position (GRCh38, 1-based): chr1:226,984,939, C>G. VCF-style: chr1-226984939-C-G. GRCh37 (hg19) VCF-style: chr1-227172640-C-G.
Other names: short protein forms Q524E.
Identifiers: ClinVar variation 2187862 (VCV002187862.3), dbSNP rs748999967, ClinGen allele CA1425543.